The following is an entry in ClinVar:

NM_032444.4(SLX4):c.2609C>T (p.Ala870Val)

Gene: SLX4 (SLX4 structure-specific endonuclease subunit; minus strand). Cytogenetic location: 16p13.3.
Variant type: single nucleotide variant.
Coding change: c.2609C>T on transcript NM_032444.4 (MANE Select); coding-DNA position 2609, C replaced by T.
Protein change: p.Ala870Val; replaces alanine 870 with valine.
Molecular consequence: missense variant.
Genome position (GRCh38, 1-based): chr16:3,591,029, G>A on the plus strand (C>T on the coding strand, the complement: SLX4 is on the minus strand). VCF-style: chr16-3591029-G-A. GRCh37 (hg19) VCF-style: chr16-3641030-G-A.
Other names: c.2609C>T (LRG_503t1); short protein forms A870V.
Identifiers: ClinVar variation 241672 (VCV000241672.35), dbSNP rs149584080, ClinGen allele CA7866124.
Genomic context (GRCh38, chr16:3,591,029, plus strand): 5'-AGTTGCCCAGAAACCGGACTGCCACCCTCCAGCCAGTCAGCGTCCTCGCCGGCACCCGCT[G>A]CCCTTTCTTCCTGGAGAAGCTTTCGCTGAGTAGCTGCAAATTCATAAATTTCTTCCATTT-3'
Protein context (NP_115820.2, residues 860-880): TQRKLLQEER[Ala870Val]AGAGEDADWL

ClinVar aggregate classification (germline): Conflicting classifications of pathogenicity. Review status: criteria provided, conflicting classifications (1 of 4 stars). 9 submissions from 9 submitters: Uncertain significance (5); Likely benign (3). 1 of the submissions does not count toward it. Last evaluated 2026-01-25.

Conditions:
Fanconi anemia (FA). Also called: Fanconi's anemia. Identifiers: Orphanet 84, MedGen C0015625, MeSH D005199, MONDO:0019391.
Fanconi anemia complementation group P. Also called: SLX4-Related Fanconi Anemia. Identifiers: Orphanet 84, MedGen C3469542, MONDO:0013499, OMIM 613951.

Allele frequency attached by ClinVar (database versions not stated): 1000 Genomes Project 0.00020; 1000 Genomes Project 30x 0.00031; gnomAD 0.00031 and 0.00033; TOPMed 0.00033; ESP Exome Variant Server 0.00062; gnomAD exomes 0.00069 and 0.00075; ExAC 0.00099.
gnomAD v4.1: 1,048 of 1,614,166 alleles (0.065%); highest among the groups gnomAD compares: South Asian, 0.11%; 2 homozygotes.

Submissions (9):

Labcorp Genetics (formerly Invitae), Labcorp
Classification: Likely benign for Fanconi anemia. Last evaluated: 2026-01-25. Review status: criteria provided, single submitter. Criteria: Invitae Variant Classification Sherloc (09022015). Collection method: clinical testing. Allele origin: germline.

GeneDx
Classification: Uncertain significance. Last evaluated: 2025-03-06. Review status: criteria provided, single submitter. Criteria: GeneDx Variant Classification Process June 2021. Collection method: clinical testing. Allele origin: germline. Affected: yes.
Comment: Reported in the published literature in association with breast and ovarian cancer; however, this variant was also reported in control individuals (PMID: 22911665, 32546565); In silico analysis indicates that this missense variant does not alter protein structure/function; This variant is associated with the following publications: (PMID: 22911665, 32546565)

Blueprint Genetics
Classification: Likely benign. Last evaluated: 2024-11-19. Review status: criteria provided, single submitter. Criteria: ACMG Guidelines, 2015. Collection method: clinical testing. Allele origin: germline.

CeGaT Center for Human Genetics Tuebingen
Classification: Likely benign. Last evaluated: 2024-10-01. Review status: criteria provided, single submitter. Criteria: CeGaT Center For Human Genetics Tuebingen Variant Classification Criteria Version 2. Collection method: clinical testing. Allele origin: germline. Affected: yes. Observed: 1 variant allele.
Comment: SLX4: BP4, BS2

Revvity Omics, Revvity
Classification: Uncertain significance for Fanconi anemia complementation group P. Last evaluated: 2022-11-28. Review status: criteria provided, single submitter. Criteria: ACMG Guidelines, 2015. Collection method: clinical testing. Allele origin: germline.

Sema4
Classification: Uncertain significance for Fanconi anemia. Last evaluated: 2022-02-11. Review status: criteria provided, single submitter. Criteria: Sema4 Curation Guidelines. Collection method: curation. Allele origin: germline.
Comment: The SLX4 c.2609C>T (p.A870V) has been reported in heterozygosity in several individuals with breast and ovarian cancer (PMID: 22911665, 32546565), but has also been reported in healthy controls (PMID: 32546565). It was observed in 39/30616 chromosomes in the South Asian population according to the Genome Aggregation Database (PMID: 32461654). This variant has been reported in ClinVar (Variation ID: 241672). In silico tools suggest the impact of the variant on protein function is benign, though these predictions have not been confirmed by functional studies. There is no indication that this variant causes disease, but the evidence is insufficient currently to prove that conclusively. Thus, the clinical significance of this variant is currently uncertain.

Fulgent Genetics
Classification: Uncertain significance for Fanconi anemia complementation group P. Last evaluated: 2018-10-31. Review status: criteria provided, single submitter. Criteria: ACMG Guidelines, 2015. Collection method: clinical testing. Allele origin: unknown.

Illumina Laboratory Services, Illumina
Classification: Uncertain significance for Fanconi anemia complementation group P. Last evaluated: 2017-05-12. Review status: criteria provided, single submitter. Criteria: ICSL Variant Classification Criteria 13 December 2019. Collection method: clinical testing. Allele origin: germline.
Comment: This variant was observed as part of a predisposition screen in an ostensibly healthy population. A literature search was performed for the gene, cDNA change, and amino acid change (where applicable). Publications were found based on this search. However, the evidence from the literature, in combination with allele frequency data from public databases where available, was not sufficient to rule this variant in or out of causing disease. Therefore, this variant is classified as a variant of unknown significance.

Leiden Open Variation Database
Classification: Likely benign. Last evaluated: 2012-08-31. Review status: no assertion criteria provided. Collection method: curation. Allele origin: germline. Affected: yes. Not counted in ClinVar's aggregate classification.
Comment: Curator: Arleen D. Auerbach. Submitter to LOVD: Janine Bakker.

Literature cited by the submitters: PubMed 22911665 (cited by 3 submitters); PubMed 32546565 (cited by Sema4).